The following is an entry in ClinVar:

ClinVar aggregate classification (germline): Uncertain significance. Review status: criteria provided, multiple submitters, no conflicts (2 of 4 stars). 2 submissions from 2 submitters: Uncertain significance (2). Last evaluated 2025-10-07.

Conditions:
Hereditary cancer-predisposing syndrome. Also called: Hereditary neoplastic syndrome; Neoplastic Syndromes, Hereditary; Tumor predisposition; Hereditary Cancer Syndrome. Identifiers: Orphanet 140162, MedGen C0027672, MeSH D009386, MONDO:0015356.
Hereditary breast ovarian cancer syndrome. Also called: Hereditary breast and ovarian cancer syndrome; Hereditary breast and/or ovarian cancer syndrome; Hereditary breast and ovarian cancer; Hereditary breast and ovarian cancer syndrome (HBOC); Breast and ovarian cancer; BRCA1- and BRCA2-Associated Hereditary Breast and Ovarian Cancer. Identifiers: Orphanet 145, MedGen C0677776, MeSH D061325, MONDO:0003582. Disease mechanism: loss of function.

gnomAD v4.1: 1 of 1,614,196 alleles (0.000062%); highest among the groups gnomAD compares: East Asian, 0.0022%; no homozygotes.

Submissions (2):

Ambry Genetics
Classification: Uncertain significance for Hereditary cancer-predisposing syndrome. Last evaluated: 2025-10-07. Review status: criteria provided, single submitter. Criteria: Ambry Variant Classification Scheme 2023. Collection method: clinical testing. Allele origin: germline.
Comment: The p.S2533F variant (also known as c.7598C>T), located in coding exon 14 of the BRCA2 gene, results from a C to T substitution at nucleotide position 7598. The serine at codon 2533 is replaced by phenylalanine, an amino acid with highly dissimilar properties. Two saturation genome editing-based studies, including a haploid cell-survival assay and a humanized mouse embryonic stem cell line assay of drug response and survival, demonstrate that this nucleotide substitution may be functional; however, additional evidence is needed to confirm these findings (Huang H et al. Nature. 2025 Feb;638(8050):528-537; Sahu S et al. Nature. 2025 Feb;638(8050):538-545). This amino acid position is not well conserved in available vertebrate species. In addition, the in silico prediction for this alteration is inconclusive. Based on the available evidence, the clinical significance of this variant remains unclear.

Labcorp Genetics (formerly Invitae), Labcorp
Classification: Uncertain significance for Hereditary breast ovarian cancer syndrome. Last evaluated: 2022-06-22. Review status: criteria provided, single submitter. Criteria: Invitae Variant Classification Sherloc (09022015). Collection method: clinical testing. Allele origin: germline.
Comment: In summary, the available evidence is currently insufficient to determine the role of this variant in disease. Therefore, it has been classified as a Variant of Uncertain Significance. Advanced modeling of protein sequence and biophysical properties (such as structural, functional, and spatial information, amino acid conservation, physicochemical variation, residue mobility, and thermodynamic stability) performed at Invitae indicates that this missense variant is not expected to disrupt BRCA2 protein function. ClinVar contains an entry for this variant (Variation ID: 1034687). This variant has not been reported in the literature in individuals affected with BRCA2-related conditions. This variant is present in population databases (no rsID available, gnomAD 0.006%). This sequence change replaces serine, which is neutral and polar, with phenylalanine, which is neutral and non-polar, at codon 2533 of the BRCA2 protein (p.Ser2533Phe).

Literature cited by the submitters: PubMed 39779848 (cited by Ambry Genetics); PubMed 39779857 (cited by Ambry Genetics).

NM_000059.4(BRCA2):c.7598C>T (p.Ser2533Phe)

Gene: BRCA2 (BRCA2 DNA repair associated; plus strand). Cytogenetic location: 13q13.1.
Variant type: single nucleotide variant.
Coding change: c.7598C>T on transcript NM_000059.4 (MANE Select); coding-DNA position 7598, C replaced by T.
Protein change: p.Ser2533Phe; replaces serine 2533 with phenylalanine.
Molecular consequence: missense variant.
Genome position (GRCh38, 1-based): chr13:32,356,590, C>T. VCF-style: chr13-32356590-C-T. GRCh37 (hg19) VCF-style: chr13-32930727-C-T.
Other names: c.7598C>T (NM_000059.3); short protein forms S2533F.
Identifiers: ClinVar variation 1034687 (VCV001034687.10), dbSNP rs80358987, ClinGen allele CA387743945.
Genomic context (GRCh38, chr13:32,356,590, plus strand): 5'-CAAAAACATCCACTCTGCCTCGAATCTCTCTGAAAGCAGCAGTAGGAGGCCAAGTTCCCT[C>T]TGCGTGTTCTCATAAACAGGTATGTGTTTGTCTACAATACTGATGGCTTTTATGACAGAG-3'
Protein context (NP_000050.3, residues 2523-2543): LKAAVGGQVP[Ser2533Phe]ACSHKQLYTY